The following is an entry in ClinVar:

NM_015915.5(ATL1):c.1278T>C (p.Asp426=)

Gene: ATL1 (atlastin GTPase 1; plus strand). Cytogenetic location: 14q22.1.
Variant type: single nucleotide variant.
Coding change: c.1278T>C on transcript NM_015915.5 (MANE Select); coding-DNA position 1278, T replaced by C.
Protein change: p.Asp426=; no amino-acid change (aspartic acid 426 retained).
Molecular consequence: synonymous variant.
Genome position (GRCh38, 1-based): chr14:50,628,189, T>C. VCF-style: chr14-50628189-T-C. GRCh37 (hg19) VCF-style: chr14-51094907-T-C.
Other names: c.1278T>C, p.Asp426= (NM_001127713.1, NM_181598.4).
Identifiers: ClinVar variation 4822639 (VCV004822639.4).

ClinVar aggregate classification (germline): Likely benign (1 of 4 stars; one submission).

gnomAD v4.1: 1 of 1,614,178 alleles (0.000062%); highest among the groups gnomAD compares: South Asian, 0.0011%; no homozygotes.

Submission:

CeGaT Center for Human Genetics Tuebingen
Classification: Likely benign. Last evaluated: 2026-02-01. Review status: criteria provided, single submitter. Criteria: CeGaT Center For Human Genetics Tuebingen Variant Classification Criteria Version 2. Collection method: clinical testing. Allele origin: germline. Affected: yes. Observed: 1 variant allele.
Comment: ATL1: BP4, BP7